The following is an entry in ClinVar:

NM_024996.7(GFM1):c.1369C>T (p.Pro457Ser)

Gene: GFM1 (G elongation factor mitochondrial 1; plus strand). Cytogenetic location: 3q25.32.
Variant type: single nucleotide variant.
Coding change: c.1369C>T on transcript NM_024996.7 (MANE Select); coding-DNA position 1369, C replaced by T.
Protein change: p.Pro457Ser; replaces proline 457 with serine.
Molecular consequence: missense variant. On other transcripts: non-coding transcript variant (4).
Genome position (GRCh38, 1-based): chr3:158,662,673, C>T. VCF-style: chr3-158662673-C-T. GRCh37 (hg19) VCF-style: chr3-158380462-C-T.
Other names: p.P457S:CCT>TCT; c.1426C>T, p.Pro476Ser (NM_001308164.2); c.1369C>T, p.Pro457Ser (NM_001308166.2); c.1288C>T, p.Pro430Ser (NM_001374355.1); c.1252C>T, p.Pro418Ser (NM_001374356.1); c.1144C>T, p.Pro382Ser (NM_001374357.1); c.910C>T, p.Pro304Ser (NM_001374358.1); c.802C>T, p.Pro268Ser (NM_001374359.1, NM_001374360.1); and 1 more; short protein forms P457S, P476S, P229S, P268S, P304S, P382S, P418S, P430S.
Identifiers: ClinVar variation 214488 (VCV000214488.3), dbSNP rs369399450, ClinGen allele CA320124.

ClinVar aggregate classification (germline): Conflicting classifications of pathogenicity. Review status: criteria provided, conflicting classifications (1 of 4 stars). 2 submissions from 2 submitters: Likely pathogenic (1); Uncertain significance (1). Last evaluated 2024-06-14.

Allele frequency attached by ClinVar (database versions not stated): TOPMed 0.00002; ExAC 0.00003; gnomAD 0.00003; ESP Exome Variant Server 0.00015.
gnomAD v4.1: 14 of 1,591,042 alleles (0.00088%); highest among the groups gnomAD compares: Admixed American, 0.0033%; no homozygotes.

Submissions (2):

Women's Health and Genetics/Laboratory Corporation of America, LabCorp
Classification: Uncertain significance. Last evaluated: 2024-06-14. Review status: criteria provided, single submitter. Criteria: LabCorp Variant Classification Summary - May 2015. Collection method: clinical testing. Allele origin: germline.
Comment: Variant summary: GFM1 c.1369C>T (p.Pro457Ser) results in a non-conservative amino acid change located in the Elongation factor G, domain III (IPR009022) of the encoded protein sequence. Five of five in-silico tools predict a damaging effect of the variant on protein function. The variant allele was found at a frequency of 3.2e-05 in 251158 control chromosomes. The available data on variant occurrences in the general population are insufficient to allow any conclusion about variant significance. To our knowledge, no occurrence of c.1369C>T in individuals affected with GFM1-related conditions and no experimental evidence demonstrating its impact on protein function have been reported. ClinVar contains an entry for this variant (Variation ID: 214488). Based on the evidence outlined above, the variant was classified as uncertain significance.

GeneDx
Classification: Likely pathogenic. Last evaluated: 2014-03-19. Review status: criteria provided, single submitter. Criteria: GeneDx Variant Classification (06012015). Collection method: clinical testing. Allele origin: germline. Affected: yes.
Comment: p.Pro457Ser (CCT>TCT): c.1369 C>T in exon 11 of the GFM1 gene (NM_024996.5). The P457S variant has not been published as a mutation, nor has it been reported as a benign polymorphism to our knowledge. The P457S variant is a non-conservative amino acid substitution, which is likely to impact secondary protein structure as these residues differ in polarity, charge, size and/or other properties. This substitution occurs at a position that is conserved across species. In silico analysis predicts this variant is probably damaging to the protein structure/function. Therefore, this variant is a strong candidate for a pathogenic mutation, however the possibility that it is a benign variant cannot be excluded. The variant is found in MITONUC-MITOP panel(s).